The following is an entry in ClinVar:

NM_032193.4(RNASEH2C):c.61_84del (p.Arg22_Leu29del)

Genes: RNASEH2C (ribonuclease H2 subunit C; minus strand), LOC130006061 (ATAC-STARR-seq lymphoblastoid silent region 3553; plus strand). Cytogenetic location: 11q13.1.
Variant type: Deletion.
Coding change: c.61_84del on transcript NM_032193.4 (MANE Select); coding-DNA positions 61 to 84, 24 bases deleted (TTGCGCGACGCCGTACCCGCCACA).
Protein change: p.Arg22_Leu29del.
Molecular consequence: inframe deletion.
Genome position (GRCh38, 1-based): chr11:65,720,675-65,720,698, TGTGGCGGGTACGGCGTCGCGCAA deleted on the plus strand (TTGCGCGACGCCGTACCCGCCACA on the coding strand, the reverse complement: RNASEH2C is on the minus strand); deleting any 24 consecutive bases within chr11:65,720,675-65,720,706 gives the same sequence; the c. name uses the placement nearest the transcript's 3' end. VCF-style (leftmost placement, unchanged base first): chr11-65720674-GTGTGGCGGGTACGGCGTCGCGCAA-G. GRCh37 (hg19) VCF-style: chr11-65488145-GTGTGGCGGGTACGGCGTCGCGCAA-G.
Other names: c.61_84del (NM_032193.3).
Identifiers: ClinVar variation 871875 (VCV000871875.42), dbSNP rs1565213769, ClinGen allele CA600229096.

ClinVar aggregate classification (germline): Conflicting classifications of pathogenicity. Review status: criteria provided, conflicting classifications (1 of 4 stars). 2 submissions from 2 submitters: Likely pathogenic (1); Uncertain significance (1). Last evaluated 2024-07-23.

Submissions (2):

GeneDx
Classification: Likely pathogenic. Last evaluated: 2024-07-23. Review status: criteria provided, single submitter. Criteria: GeneDx Variant Classification Process June 2021. Collection method: clinical testing. Allele origin: germline. Affected: yes.
Comment: Not observed at significant frequency in large population cohorts (gnomAD); In-frame deletion of 8 amino acids in a non-repeat region; In silico analysis supports a deleterious effect on protein structure/function; Has not been previously published as pathogenic or benign to our knowledge

CeGaT Center for Human Genetics Tuebingen
Classification: Uncertain significance. Last evaluated: 2019-08-01. Review status: criteria provided, single submitter. Criteria: CeGaT Center For Human Genetics Tuebingen Variant Classification Criteria Version 2. Collection method: clinical testing. Allele origin: germline. Affected: yes. Observed: 1 variant allele.